The following is an entry in ClinVar:

ClinVar aggregate classification (germline): Uncertain significance (1 of 4 stars; one submission).

Conditions:
Autosomal recessive limb-girdle muscular dystrophy type 2Q (LGMDR17). Also called: MUSCULAR DYSTROPHY, LIMB-GIRDLE, AUTOSOMAL RECESSIVE 17. Identifiers: Orphanet 254361, MedGen C3150989, MONDO:0013390, OMIM 613723.
Epidermolysis bullosa simplex with nail dystrophy (EBS5D). Identifiers: MedGen C4225309, MONDO:0014661, OMIM 616487.
Epidermolysis bullosa simplex 5C, with pyloric atresia (EBS5C). Also called: PLEC-Related Epidermolysis Bullosa with Pyloric Atresia; Epidermolysis bullosa simplex with pyloric atresia; PLEC1-Related Epidermolysis Bullosa with Pyloric Atresia. Identifiers: Orphanet 158684, MedGen C2677349, MONDO:0012807, OMIM 612138.
Epidermolysis bullosa simplex, Ogna type (EBS5A). Also called: Pidermolysis bullosa simplex 5A, Ogna type; EPIDERMOLYSIS BULLOSA SIMPLEX 5A, OGNA TYPE. Identifiers: Orphanet 79401, MedGen C0432317, MONDO:0007555, OMIM 131950.
Epidermolysis bullosa simplex 5B, with muscular dystrophy (EBS5B). Also called: Epidermolysis bullosa simplex with muscular dystrophy; EPIDERMOLYSIS BULLOSA SIMPLEX AND LIMB-GIRDLE MUSCULAR DYSTROPHY. Identifiers: Orphanet 257, MedGen C2931072, MONDO:0009181, OMIM 226670.

Allele frequency attached by ClinVar (database versions not stated): gnomAD 0.00001; TOPMed 0.00001; gnomAD exomes 0.00002 and 0.00005; ExAC 0.00009.
gnomAD v4.1: 30 of 1,585,148 alleles (0.0019%); highest among the groups gnomAD compares: Admixed American, 0.0034%; no homozygotes.

Submission:

Labcorp Genetics (formerly Invitae), Labcorp
Classification: Uncertain significance for Autosomal recessive limb-girdle muscular dystrophy type 2Q; Epidermolysis bullosa simplex, Ogna type; Epidermolysis bullosa simplex with nail dystrophy; Epidermolysis bullosa simplex 5C, with pyloric atresia; Epidermolysis bullosa simplex 5B, with muscular dystrophy. Last evaluated: 2025-10-08. Review status: criteria provided, single submitter. Criteria: Invitae Variant Classification Sherloc (09022015). Collection method: clinical testing. Allele origin: germline.
Comment: This sequence change replaces alanine, which is neutral and non-polar, with valine, which is neutral and non-polar, at codon 2003 of the PLEC protein (p.Ala2003Val). This variant is present in population databases (rs781911978, gnomAD 0.006%). This variant has not been reported in the literature in individuals affected with PLEC-related conditions. ClinVar contains an entry for this variant (Variation ID: 998634). An algorithm developed to predict the effect of missense changes on protein structure and function outputs the following: PolyPhen-2: "Not Available". The valine amino acid residue is found in multiple mammalian species, which suggests that this missense change does not adversely affect protein function. In summary, the available evidence is currently insufficient to determine the role of this variant in disease. Therefore, it has been classified as a Variant of Uncertain Significance.

NM_201384.3(PLEC):c.5927C>T (p.Ala1976Val)

Gene: PLEC (plectin; minus strand). Cytogenetic location: 8q24.3.
Variant type: single nucleotide variant.
Coding change: c.5927C>T on transcript NM_201384.3 (MANE Select); coding-DNA position 5927, C replaced by T.
Protein change: p.Ala1976Val; replaces alanine 1976 with valine.
Molecular consequence: missense variant.
Genome position (GRCh38, 1-based): chr8:143,924,002, G>A on the plus strand (C>T on the coding strand, the complement: PLEC is on the minus strand). VCF-style: chr8-143924002-G-A. GRCh37 (hg19) VCF-style: chr8-144998170-G-A.
Other names: c.6008C>T, p.Ala2003Val (NM_000445.5); c.5885C>T, p.Ala1962Val (NM_201378.4); c.5861C>T, p.Ala1954Val (NM_201379.3); c.6338C>T, p.Ala2113Val (NM_201380.4); c.5831C>T, p.Ala1944Val (NM_201381.3); c.5927C>T, p.Ala1976Val (NM_201382.4); c.5939C>T, p.Ala1980Val (NM_201383.3); short protein forms A1944V, A1954V, A1962V, A1976V, A1980V, A2003V, A2113V.
Identifiers: ClinVar variation 998634 (VCV000998634.5), dbSNP rs781911978, ClinGen allele CA4926189.